The following is an entry in ClinVar:

NM_007294.4(BRCA1):c.2142_2144delinsAG (p.Asn714fs)

Gene: BRCA1 (BRCA1 DNA repair associated; minus strand). Cytogenetic location: 17q21.31.
Variant type: Indel.
Coding change: c.2142_2144delinsAG on transcript NM_007294.4 (MANE Select); coding-DNA positions 2142 to 2144, TAC replaced by AG.
Protein change: p.Asn714fs; shifts the reading frame from asparagine 714.
Molecular consequence: frameshift variant. On other transcripts: intron variant (137).
Genome position (GRCh38, 1-based): chr17:43,093,387-43,093,389, GTA replaced by CT on the plus strand (TAC replaced by AG on the coding strand, the reverse complement: BRCA1 is on the minus strand). VCF-style: chr17-43093387-GTA-CT. GRCh37 (hg19) VCF-style: chr17-41245404-GTA-CT.
Other names: 2261_2264delTACinsAG; c.1929_1931delinsAG, p.Asn643fs (NM_001407571.1, NM_001407853.1, NM_001407894.1 and 9 more transcripts); c.2142_2144delinsAG, p.Asn714fs (NM_001407581.1, NM_001407582.1, NM_001407583.1 and 30 more transcripts); c.2139_2141delinsAG, p.Asn713fs (NM_001407587.1, NM_001407590.1, NM_001407591.1 and 22 more transcripts); c.2133_2135delinsAG, p.Asn711fs (NM_001407646.1, NM_001407647.1); c.2019_2021delinsAG, p.Asn673fs (NM_001407648.1, NM_001407664.1, NM_001407665.1 and 19 more transcripts); c.2016_2018delinsAG, p.Asn672fs (NM_001407649.1, NM_001407670.1, NM_001407671.1 and 11 more transcripts); c.2064_2066delinsAG, p.Asn688fs (NM_001407653.1, NM_001407654.1, NM_001407655.1 and 4 more transcripts); and 42 more; short protein forms N667fs, N714fs, N644fs, N646fs, N672fs, N711fs, N713fs, N586fs.
Identifiers: ClinVar variation 266225 (VCV000266225.6), dbSNP rs886040003, ClinGen allele CA10589886.

ClinVar aggregate classification (germline): Pathogenic. Review status: reviewed by expert panel (3 of 4 stars). 2 submissions from 2 submitters: Pathogenic (1). 1 of the submissions does not count toward it. Last evaluated 2016-10-18.

Conditions:
Breast-ovarian cancer, familial, susceptibility to, 1 (BROVCA1). Also called: BRCA1 Hereditary Breast and Ovarian Cancer; OVARIAN CANCER, SUSCEPTIBILITY TO. Identifiers: Orphanet 145, MedGen C2676676, MONDO:0011450, OMIM 604370. Disease mechanism: loss of function.

Submissions (2):

Evidence-based Network for the Interpretation of Germline Mutant Alleles (ENIGMA)
Classification: Pathogenic for Breast-ovarian cancer, familial, susceptibility to, 1. Last evaluated: 2016-10-18. Review status: reviewed by expert panel. Criteria: ENIGMA BRCA1/2 Classification Criteria (2015). Collection method: curation. Allele origin: germline.
Comment: Variant allele predicted to encode a truncated non-functional protein.

Consortium of Investigators of Modifiers of BRCA1/2 (CIMBA), c/o University of Cambridge
Classification: Pathogenic for Breast-ovarian cancer, familial, susceptibility to, 1. Last evaluated: 2015-10-02. Review status: criteria provided, single submitter. Criteria: CIMBA Mutation Classification guidelines May 2016. Collection method: clinical testing. Allele origin: germline. Not counted in ClinVar's aggregate classification.